The following is an entry in ClinVar:

NM_004958.4(MTOR):c.13G>C (p.Gly5Arg)

Gene: MTOR (mechanistic target of rapamycin kinase; minus strand). Cytogenetic location: 1p36.22.
Variant type: single nucleotide variant.
Coding change: c.13G>C on transcript NM_004958.4 (MANE Select); coding-DNA position 13, G replaced by C.
Protein change: p.Gly5Arg; replaces glycine 5 with arginine.
Molecular consequence: missense variant. On other transcripts: 5 prime UTR variant (1).
Genome position (GRCh38, 1-based): chr1:11,259,397, C>G on the plus strand (G>C on the coding strand, the complement: MTOR is on the minus strand). VCF-style: chr1-11259397-C-G. GRCh37 (hg19) VCF-style: chr1-11319454-C-G.
Other names: c.13G>C, p.Gly5Arg (NM_001386500.1); c.-1127G>C (NM_001386501.1); short protein forms G5R.
Identifiers: ClinVar variation 2632054 (VCV002632054.1), dbSNP rs774041749, ClinGen allele CA338405529.

ClinVar aggregate classification (germline): Uncertain significance (1 of 4 stars; one submission).

Conditions:
MTOR-related disorder. Also called: MTOR-related condition.

Submission:

PreventionGenetics, part of Exact Sciences
Classification: Uncertain significance for MTOR-related condition. Last evaluated: 2023-04-07. Review status: criteria provided, single submitter. Criteria: ACMG Guidelines, 2015. Collection method: clinical testing. Allele origin: germline.
Comment: The MTOR c.13G>C variant is predicted to result in the amino acid substitution p.Gly5Arg. To our knowledge, this variant has not been reported in the literature or in a large population database, indicating this variant is rare. At this time, the clinical significance of this variant is uncertain due to the absence of conclusive functional and genetic evidence.